The following is an entry in ClinVar:

ClinVar aggregate classification (germline): Conflicting classifications of pathogenicity. Review status: criteria provided, conflicting classifications (1 of 4 stars). 3 submissions from 3 submitters: Pathogenic (1); Likely pathogenic (1); Uncertain significance (1). Last evaluated 2026-07-23.

Conditions:
Hereditary breast ovarian cancer syndrome. Also called: Breast and ovarian cancer; BRCA1- and BRCA2-Associated Hereditary Breast and Ovarian Cancer; Hereditary breast and ovarian cancer syndrome; Hereditary breast and/or ovarian cancer syndrome; Hereditary breast and ovarian cancer syndrome (HBOC); Hereditary breast and ovarian cancer. Identifiers: Orphanet 145, MedGen C0677776, MeSH D061325, MONDO:0003582. Disease mechanism: loss of function.
Hereditary cancer-predisposing syndrome. Also called: Neoplastic Syndromes, Hereditary; Hereditary neoplastic syndrome; Hereditary Cancer Syndrome; Tumor predisposition. Identifiers: Orphanet 140162, MedGen C0027672, MeSH D009386, MONDO:0015356.
Inherited breast cancer and ovarian cancer.

Submissions (3):

Genetics Laboratory, Great Ormond Street Hospital NHS Foundation Trust, North Thames Genomic Laboratory Hub
Classification: Likely pathogenic for Inherited breast cancer and ovarian cancer. Last evaluated: 2026-07-23. Review status: criteria provided, single submitter. Criteria: CanVIG BRCA Gene Specific V1.22. Collection method: clinical testing. Allele origin: germline. Affected: yes.
Comment: PM2_supporting, PVS1_very-strong

Labcorp Genetics (formerly Invitae), Labcorp
Classification: Pathogenic for Hereditary breast ovarian cancer syndrome. Last evaluated: 2025-04-20. Review status: criteria provided, single submitter. Criteria: Invitae Variant Classification Sherloc (09022015). Collection method: clinical testing. Allele origin: germline.
Comment: This sequence change creates a premature translational stop signal (p.Ser2309Alafs*7) in the BRCA2 gene. It is expected to result in an absent or disrupted protein product. Loss-of-function variants in BRCA2 are known to be pathogenic (PMID: 20104584). This variant is not present in population databases (gnomAD no frequency). This variant has not been reported in the literature in individuals affected with BRCA2-related conditions. ClinVar contains an entry for this variant (Variation ID: 852028). For these reasons, this variant has been classified as Pathogenic.

Ambry Genetics
Classification: Uncertain significance for Hereditary cancer-predisposing syndrome. Last evaluated: 2024-10-10. Review status: criteria provided, single submitter. Criteria: Ambry Variant Classification Scheme 2023. Collection method: clinical testing. Allele origin: germline.
Comment: The c.6925delA variant, located in coding exon 11 of the BRCA2 gene, results from a deletion of one nucleotide at nucleotide position 6925, causing a translational frameshift with a predicted alternate stop codon (p.S2309Afs*7). This alteration is expected to result in loss of function by premature protein truncation or nonsense-mediated mRNA decay. However, this variant occurs in an exon that is dispensable in biologically relevant transcripts. Note, this exon is also referred to as Exon 12 in the literature (Li L et al. Hum. Mutat. 2009 Nov;30(11):1543-50). Since supporting evidence is limited at this time, the clinical significance of this alteration remains unclear.

Literature cited by the submitters: PubMed 20104584 (cited by Labcorp Genetics (formerly Invitae), Labcorp).

NM_000059.4(BRCA2):c.6925del (p.Ser2309fs)

Gene: BRCA2 (BRCA2 DNA repair associated; plus strand). Cytogenetic location: 13q13.1.
Variant type: Deletion.
Coding change: c.6925del on transcript NM_000059.4 (MANE Select); coding-DNA position 6925, one base deleted (A; older notation c.6925delA).
Protein change: p.Ser2309fs; shifts the reading frame from serine 2309.
Molecular consequence: frameshift variant.
Genome position (GRCh38, 1-based): chr13:32,344,641, A deleted; the last of 5 consecutive A bases (chr13:32,344,637-32,344,641); deleting any one gives the same sequence. VCF-style (leftmost placement, unchanged base first): chr13-32344636-CA-C. GRCh37 (hg19) VCF-style: chr13-32918773-CA-C.
Other names: c.6925delA (NM_000059.3); short protein forms S2309fs.
Identifiers: ClinVar variation 852028 (VCV000852028.12), dbSNP rs2072598725, ClinGen allele CA916080517.
Genomic context (GRCh38, chr13:32,344,636, plus strand): 5'-GAAACTTATTAAATGAATTTGACAGGATAATAGAAAATCAAGAAAAATCCTTAAAGGCTT[CA>C]AAAAGCACTCCAGATGGTAAAATTAGCTTTTTATTTATATCTGTTCTCCCTCTATAGGTA-3'